The following is an entry in ClinVar:

ClinVar aggregate classification (germline): Uncertain significance. Review status: criteria provided, multiple submitters, no conflicts (2 of 4 stars). 6 submissions from 5 submitters: Uncertain significance (6). Last evaluated 2026-03-19.

Conditions:
Senior-Loken syndrome 7 (SLSN7). Identifiers: Orphanet 3156, MedGen C3150877, MONDO:0013326, OMIM 613615.
SDCCAG8-related disorder. Also called: SDCCAG8-Related Disorders; SDCCAG8-related condition.
Inborn genetic diseases. Identifiers: MedGen C0950123, MeSH D030342.
Bardet-Biedl syndrome 16 (BBS16). Identifiers: Orphanet 110, MedGen C3889474, MONDO:0014444, OMIM 615993.

Allele frequency attached by ClinVar (database versions not stated): gnomAD 0.00003; TOPMed 0.00003; gnomAD exomes 0.00007; ExAC 0.00009; 1000 Genomes Project 30x 0.00016; 1000 Genomes Project 0.00020.
gnomAD v4.1: 63 of 1,614,076 alleles (0.0039%); highest among the groups gnomAD compares: Admixed American, 0.005%; 1 homozygote.

Submissions (6):

PreventionGenetics, part of Exact Sciences
Classification: Uncertain significance for SDCCAG8-related condition. Last evaluated: 2026-03-19. Review status: criteria provided, single submitter. Criteria: ACMG Guidelines, 2015. Collection method: clinical testing. Allele origin: germline.
Comment: The SDCCAG8 c.518T>C variant is predicted to result in the amino acid substitution p.Leu173Pro. To our knowledge, this variant has not been reported in the literature. This variant is reported in 0.012% of alleles in individuals of European (Non-Finnish) descent in gnomAD. At this time, the clinical significance of this variant is uncertain due to the absence of conclusive functional and genetic evidence.

Ambry Genetics
Classification: Uncertain significance for Inborn genetic diseases. Last evaluated: 2024-10-22. Review status: criteria provided, single submitter. Criteria: Ambry Variant Classification Scheme 2023. Collection method: clinical testing. Allele origin: germline.

Fulgent Genetics
Classification: Uncertain significance for Senior-Loken syndrome 7; Bardet-Biedl syndrome 16. Last evaluated: 2022-02-17. Review status: criteria provided, single submitter. Criteria: ACMG Guidelines, 2015. Collection method: clinical testing. Allele origin: unknown.

Labcorp Genetics (formerly Invitae), Labcorp
Classification: Uncertain significance for Bardet-Biedl syndrome 16; Senior-Loken syndrome 7. Last evaluated: 2021-10-27. Review status: criteria provided, single submitter. Criteria: Invitae Variant Classification Sherloc (09022015). Collection method: clinical testing. Allele origin: germline.
Comment: This sequence change replaces leucine, a(n) neutral and non-polar amino acid, with proline, a(n) neutral and non-polar amino acid, at codon 173 of the SDCCAG8 protein (p.Leu173Pro). This variant is present in population databases (rs541533278, gnomAD 0.01%), including at least one homozygous and/or hemizygous individual. This variant has not been reported in the literature in individuals affected with SDCCAG8-related conditions. ClinVar contains an entry for this variant (Variation ID: 541793). Algorithms developed to predict the effect of missense changes on protein structure and function are either unavailable or do not agree on the potential impact of this missense change (SIFT: "Deleterious"; PolyPhen-2: "Possibly Damaging"; Align-GVGD: "Class C0"). In summary, the available evidence is currently insufficient to determine the role of this variant in disease. Therefore, it has been classified as a Variant of Uncertain Significance.

Illumina Laboratory Services, Illumina
Classification: Uncertain significance for Bardet-Biedl syndrome 16. Last evaluated: 2018-01-12. Review status: criteria provided, single submitter. Criteria: ICSL Variant Classification Criteria 13 December 2019. Collection method: clinical testing. Allele origin: germline.

Illumina Laboratory Services, Illumina
Classification: Uncertain significance for Senior-Loken syndrome 7. Last evaluated: 2018-01-12. Review status: criteria provided, single submitter. Criteria: ICSL Variant Classification Criteria 13 December 2019. Collection method: clinical testing. Allele origin: germline.

NM_006642.5(SDCCAG8):c.518T>C (p.Leu173Pro)

Gene: SDCCAG8 (SHH signaling and ciliogenesis regulator SDCCAG8; plus strand). Cytogenetic location: 1q43.
Variant type: single nucleotide variant.
Coding change: c.518T>C on transcript NM_006642.5 (MANE Select); coding-DNA position 518, T replaced by C.
Protein change: p.Leu173Pro; replaces leucine 173 with proline.
Molecular consequence: missense variant. On other transcripts: 5 prime UTR variant (3).
Genome position (GRCh38, 1-based): chr1:243,286,369, T>C. VCF-style: chr1-243286369-T-C. GRCh37 (hg19) VCF-style: chr1-243449671-T-C.
Other names: c.-595T>C (NM_001350246.2); c.-483T>C (NM_001350247.2); c.518T>C, p.Leu173Pro (NM_001350248.2); c.224T>C, p.Leu75Pro (NM_001350249.2); c.-856T>C (NM_001350251.2); short protein forms L173P, L75P.
Identifiers: ClinVar variation 541793 (VCV000541793.13), dbSNP rs541533278, ClinGen allele CA1483327.